The following is an entry in ClinVar:

NM_001267550.2(TTN):c.32806+5A>G

Gene: TTN (titin; minus strand). Cytogenetic location: 2q31.2.
Variant type: single nucleotide variant.
Coding change: c.32806+5A>G on transcript NM_001267550.2 (MANE Select); 5 bases into the intron after coding-DNA position 32806, A replaced by G.
Molecular consequence: intron variant.
Genome position (GRCh38, 1-based): chr2:178,683,994, T>C on the plus strand (A>G on the coding strand, the complement: TTN is on the minus strand). VCF-style: chr2-178683994-T-C. GRCh37 (hg19) VCF-style: chr2-179548721-T-C.
Other names: c.31855+5A>G (NM_001256850.1); c.13283-41677A>G (NM_003319.4); c.13859-41677A>G (NM_133437.4); c.13658-41677A>G (NM_133432.3); c.29074+5A>G (NM_133378.4).
Identifiers: ClinVar variation 514619 (VCV000514619.4), dbSNP rs755370435, ClinGen allele CA1998526.

ClinVar aggregate classification (germline): Conflicting classifications of pathogenicity. Review status: criteria provided, conflicting classifications (1 of 4 stars). 2 submissions from 2 submitters: Uncertain significance (1); Likely benign (1). Last evaluated 2026-04-21.

Allele frequency attached by ClinVar (database versions not stated): gnomAD exomes 0.00002 and 0.00007; TOPMed 0.00003; ExAC 0.00011.
gnomAD v4.1: 12 of 1,577,658 alleles (0.00076%); highest among the groups gnomAD compares: Admixed American, 0.022%; no homozygotes.

Submissions (2):

Women's Health and Genetics/Laboratory Corporation of America, LabCorp
Classification: Uncertain significance. Last evaluated: 2026-04-21. Review status: criteria provided, single submitter. Criteria: LabCorp Variant Classification Summary - May 2015. Collection method: clinical testing. Allele origin: germline.
Comment: Variant summary: TTN c.29074+5A>G alters a nucleotide located close to a canonical splice site and therefore could affect mRNA splicing, leading to a significantly altered protein sequence. Consensus agreement among computation tools predict no significant impact on normal splicing. However, these predictions have yet to be confirmed by functional studies. The variant allele was found at a frequency of 7e-05 in 227952 control chromosomes. This frequency is not significantly higher than estimated for disease-causing variants in TTN, allowing no conclusion about variant significance. To our knowledge, no occurrence of c.29074+5A>G in individuals affected with TTN-related conditions and no experimental evidence demonstrating its impact on protein function have been reported. ClinVar contains an entry for this variant (Variation ID: 514619). Based on the evidence outlined above, the variant was classified as uncertain significance.

GeneDx
Classification: Likely benign. Last evaluated: 2019-02-27. Review status: criteria provided, single submitter. Criteria: GeneDx Variant Classification Process June 2021. Collection method: clinical testing. Allele origin: germline. Affected: yes.